The following is an entry in ClinVar:

ClinVar aggregate classification (germline): Uncertain significance. Review status: criteria provided, single submitter (1 of 4 stars). 2 submissions from 2 submitters: Uncertain significance (1). 1 of the submissions does not count toward it. Last evaluated 2024-10-07.

Conditions:
Glucose-6-phosphate transport defect (GSD1B). Also called: Glycogen Storage Disease Type Ib; GSD Ib. Identifiers: Orphanet 364, Orphanet 79259, MedGen C0268146, MONDO:0009288, OMIM 232220.

Allele frequency attached by ClinVar (database versions not stated): gnomAD exomes below 0.00001.

Submissions (2):

Labcorp Genetics (formerly Invitae), Labcorp
Classification: Uncertain significance for Glucose-6-phosphate transport defect. Last evaluated: 2024-10-07. Review status: criteria provided, single submitter. Criteria: Invitae Variant Classification Sherloc (09022015). Collection method: clinical testing. Allele origin: germline.
Comment: This sequence change replaces phenylalanine, which is neutral and non-polar, with leucine, which is neutral and non-polar, at codon 103 of the SLC37A4 protein (p.Phe103Leu). This variant is present in population databases (no rsID available, gnomAD 0.0009%). This variant has not been reported in the literature in individuals affected with SLC37A4-related conditions. ClinVar contains an entry for this variant (Variation ID: 551053). Invitae Evidence Modeling of protein sequence and biophysical properties (such as structural, functional, and spatial information, amino acid conservation, physicochemical variation, residue mobility, and thermodynamic stability) indicates that this missense variant is not expected to disrupt SLC37A4 protein function with a negative predictive value of 80%. In summary, the available evidence is currently insufficient to determine the role of this variant in disease. Therefore, it has been classified as a Variant of Uncertain Significance.

Counsyl
Classification: Uncertain significance for Glucose-6-phosphate transport defect. Last evaluated: 2017-03-08. Review status: no assertion criteria provided. Collection method: clinical testing. Allele origin: unknown. Not counted in ClinVar's aggregate classification.

NM_001164277.2(SLC37A4):c.309T>G (p.Phe103Leu)

Gene: SLC37A4 (solute carrier family 37 member 4; minus strand). Cytogenetic location: 11q23.3.
Variant type: single nucleotide variant.
Coding change: c.309T>G on transcript NM_001164277.2 (MANE Select); coding-DNA position 309, T replaced by G.
Protein change: p.Phe103Leu; replaces phenylalanine 103 with leucine.
Molecular consequence: missense variant.
Genome position (GRCh38, 1-based): chr11:119,028,266, A>C on the plus strand (T>G on the coding strand, the complement: SLC37A4 is on the minus strand). VCF-style: chr11-119028266-A-C. GRCh37 (hg19) VCF-style: chr11-118898976-A-C.
Other names: c.309T>G, p.Phe103Leu (NM_001164278.2, NM_001164280.2, NM_001467.6); c.90T>G, p.Phe30Leu (NM_001164279.2); short protein forms F103L, F30L.
Identifiers: ClinVar variation 551053 (VCV000551053.6), dbSNP rs1171686379, ClinGen allele CA382904942.
Genomic context (GRCh38, chr11:119,028,266, plus strand): 5'-CTTCCCACATGGGGGCCAGCCCAGCCCCTGGGCCAGGCCATTAAGGAACCAGAGGGCAGC[A>C]AAGACAGGTACTGTGGAGCTCCAGGCAAAGAATATGTTGACCAGGCCAACCAGGAGCAGC-3'
Protein context (NP_001157749.1, residues 93-113): FFAWSSTVPV[Phe103Leu]AALWFLNGLA